The following is an entry in ClinVar:

NM_021971.4(GMPPB):c.478G>T (p.Val160Leu)

Gene: GMPPB (GDP-mannose pyrophosphorylase B; minus strand). Cytogenetic location: 3p21.31.
Variant type: single nucleotide variant.
Coding change: c.478G>T on transcript NM_021971.4 (MANE Select); coding-DNA position 478, G replaced by T.
Protein change: p.Val160Leu; replaces valine 160 with leucine.
Molecular consequence: missense variant.
Genome position (GRCh38, 1-based): chr3:49,722,679, C>A on the plus strand (G>T on the coding strand, the complement: GMPPB is on the minus strand). VCF-style: chr3-49722679-C-A. GRCh37 (hg19) VCF-style: chr3-49760112-C-A.
Other names: c.478G>T, p.Val160Leu (NM_013334.4); short protein forms V160L.
Identifiers: ClinVar variation 3764064 (VCV003764064.1).
Genomic context (GRCh38, chr3:49,722,679, plus strand): 5'-GGCTCAGGATGTACATGCCTGCGTTGATCTTATTGGACACAAACACCTGTGGCTTCTCCA[C>A]GAACCGGTGAATGCGGCCTGTGTCAGCCTCACACACCACCACACCGTACTTGGAGGGTTC-3'
Protein context (NP_068806.2, residues 150-170): EADTGRIHRF[Val160Leu]EKPQVFVSNK

ClinVar aggregate classification (germline): Uncertain significance (1 of 4 stars; one submission).

Conditions:
Muscular dystrophy-dystroglycanopathy (congenital with impaired intellectual development), type B, 14. Also called: Muscular dystrophy-dystroglycanopathy (congenital with intellectual disability), type B14; MUSCULAR DYSTROPHY, CONGENITAL, GMPPB-RELATED; Congenital muscular dystrophy-dystroglycanopathy with mental retardation, type B14. Identifiers: MedGen C3809221, MONDO:0014141, OMIM 615351.
Autosomal recessive limb-girdle muscular dystrophy type 2T. Also called: MUSCULAR DYSTROPHY-DYSTROGLYCANOPATHY, LIMB-GIRDLE, GMPPB-RELATED; MUSCULAR DYSTROPHY, LIMB-GIRDLE, TYPE 2T; Muscular dystrophy-dystroglycanopathy (limb-girdle), type c, 14; Limb-girdle muscular dystrophy-dystroglycanopathy, type C14. Identifiers: Orphanet 363623, MedGen C4518000, MONDO:0014142, OMIM 615352.
Muscular dystrophy-dystroglycanopathy (congenital with brain and eye anomalies), type A14. Also called: WALKER-WARBURG SYNDROME OR MUSCLE-EYE-BRAIN DISEASE, GMPPB-RELATED; Muscular dystrophy-dystroglycanopathy (congenital with brain and eye anomalies), type a, 14; Congenital Muscular Dystrophy-Dystroglycanopathy with Brain and Eye Anomalies Type A 14; Congenital muscular dystrophy-dystroglycanopathy with brain and eye anomalies, type A14. Identifiers: Orphanet 588, MedGen C3809216, MONDO:0014140, OMIM 615350.

gnomAD v4.1: 14 of 1,613,940 alleles (0.00087%); highest among the groups gnomAD compares: Non-Finnish European, 0.0012%; no homozygotes.

Submission:

Labcorp Genetics (formerly Invitae), Labcorp
Classification: Uncertain significance for Autosomal recessive limb-girdle muscular dystrophy type 2T; Muscular dystrophy-dystroglycanopathy (congenital with brain and eye anomalies), type A14; Muscular dystrophy-dystroglycanopathy (congenital with impaired intellectual development), type B, 14. Last evaluated: 2024-10-12. Review status: criteria provided, single submitter. Criteria: Invitae Variant Classification Sherloc (09022015). Collection method: clinical testing. Allele origin: germline.
Comment: This sequence change replaces valine, which is neutral and non-polar, with leucine, which is neutral and non-polar, at codon 160 of the GMPPB protein (p.Val160Leu). This variant is not present in population databases (gnomAD no frequency). This variant has not been reported in the literature in individuals affected with GMPPB-related conditions. Invitae Evidence Modeling of protein sequence and biophysical properties (such as structural, functional, and spatial information, amino acid conservation, physicochemical variation, residue mobility, and thermodynamic stability) indicates that this missense variant is not expected to disrupt GMPPB protein function with a negative predictive value of 80%. In summary, the available evidence is currently insufficient to determine the role of this variant in disease. Therefore, it has been classified as a Variant of Uncertain Significance.